The following is an entry in ClinVar:

NM_001134831.2(AHI1):c.1580C>T (p.Pro527Leu)

Gene: AHI1 (Abelson helper integration site 1; minus strand). Cytogenetic location: 6q23.3.
Variant type: single nucleotide variant.
Coding change: c.1580C>T on transcript NM_001134831.2 (MANE Select); coding-DNA position 1580, C replaced by T.
Protein change: p.Pro527Leu; replaces proline 527 with leucine.
Molecular consequence: missense variant.
Genome position (GRCh38, 1-based): chr6:135,448,336, G>A on the plus strand (C>T on the coding strand, the complement: AHI1 is on the minus strand). VCF-style: chr6-135448336-G-A. GRCh37 (hg19) VCF-style: chr6-135769474-G-A.
Other names: c.1580C>T, p.Pro527Leu (NM_001134830.2, NM_001134832.2, NM_001350503.2 and 2 more transcripts); short protein forms P527L.
Identifiers: ClinVar variation 1898879 (VCV001898879.5), dbSNP rs750264231, ClinGen allele CA4012564.

ClinVar aggregate classification (germline): Pathogenic (1 of 4 stars; one submission).

Conditions:
Joubert syndrome. Also called: CEREBELLOPARENCHYMAL DISORDER IV; JOUBERT-BOLTSHAUSER SYNDROME; Familial aplasia of the vermis. Identifiers: Orphanet 475, MedGen C5979921, MONDO:0018772.

Allele frequency attached by ClinVar (database versions not stated): gnomAD exomes below 0.00001; ExAC 0.00001; gnomAD 0.00001; TOPMed 0.00002.
gnomAD v4.1: 4 of 1,610,984 alleles (0.00025%); highest among the groups gnomAD compares: East Asian, 0.0022%; no homozygotes.

Submission:

Labcorp Genetics (formerly Invitae), Labcorp
Classification: Pathogenic for Joubert syndrome. Last evaluated: 2025-01-02. Review status: criteria provided, single submitter. Criteria: Invitae Variant Classification Sherloc (09022015). Collection method: clinical testing. Allele origin: germline.
Comment: This sequence change replaces proline, which is neutral and non-polar, with leucine, which is neutral and non-polar, at codon 527 of the AHI1 protein (p.Pro527Leu). This variant is present in population databases (rs750264231, gnomAD 0.006%). This missense change has been observed in individual(s) with clinical features of Joubert syndrome and/or retinitis pigmentosa (internal data). In at least one individual the data is consistent with being in trans (on the opposite chromosome) from a pathogenic variant. ClinVar contains an entry for this variant (Variation ID: 1898879). Invitae Evidence Modeling of protein sequence and biophysical properties (such as structural, functional, and spatial information, amino acid conservation, physicochemical variation, residue mobility, and thermodynamic stability) has been performed for this missense variant. However, the output from this modeling did not meet the statistical confidence thresholds required to predict the impact of this variant on AHI1 protein function. For these reasons, this variant has been classified as Pathogenic.